The following is an entry in ClinVar:

ClinVar aggregate classification (germline): Conflicting classifications of pathogenicity. Review status: criteria provided, conflicting classifications (1 of 4 stars). 4 submissions from 4 submitters: Uncertain significance (1); Likely benign (3). Last evaluated 2026-03-01.

Conditions:
Werner syndrome (WRN). Identifiers: Orphanet 902, MedGen C0043119, MONDO:0010196, OMIM 277700.

Allele frequency attached by ClinVar (database versions not stated): TOPMed 0.00001; gnomAD exomes 0.00003 and 0.00004; ExAC 0.00007; gnomAD 0.00001; ESP Exome Variant Server 0.00015.
gnomAD v4.1: 39 of 1,613,880 alleles (0.0024%); highest among the groups gnomAD compares: Middle Eastern, 0.016%; no homozygotes.

Submissions (4):

CeGaT Center for Human Genetics Tuebingen
Classification: Likely benign. Last evaluated: 2026-03-01. Review status: criteria provided, single submitter. Criteria: CeGaT Center For Human Genetics Tuebingen Variant Classification Criteria Version 2. Collection method: clinical testing. Allele origin: germline. Affected: yes. Observed: 3 variant alleles.
Comment: WRN: BP4, BP7

Labcorp Genetics (formerly Invitae), Labcorp
Classification: Likely benign for Werner syndrome. Last evaluated: 2025-11-10. Review status: criteria provided, single submitter. Criteria: Invitae Variant Classification Sherloc (09022015). Collection method: clinical testing. Allele origin: germline.

Blueprint Genetics
Classification: Likely benign. Last evaluated: 2024-10-04. Review status: criteria provided, single submitter. Criteria: ACMG Guidelines, 2015. Collection method: clinical testing. Allele origin: germline.

Illumina Laboratory Services, Illumina
Classification: Uncertain significance for Werner syndrome. Last evaluated: 2018-01-13. Review status: criteria provided, single submitter. Criteria: ICSL Variant Classification Criteria 13 December 2019. Collection method: clinical testing. Allele origin: germline.

NM_000553.6(WRN):c.2985C>T (p.Ala995=)

Gene: WRN (WRN RecQ like helicase; plus strand). Cytogenetic location: 8p12.
Variant type: single nucleotide variant.
Coding change: c.2985C>T on transcript NM_000553.6 (MANE Select); coding-DNA position 2985, C replaced by T.
Protein change: p.Ala995=; no amino-acid change (alanine 995 retained).
Molecular consequence: synonymous variant.
Genome position (GRCh38, 1-based): chr8:31,141,447, C>T. VCF-style: chr8-31141447-C-T. GRCh37 (hg19) VCF-style: chr8-30998963-C-T.
Identifiers: ClinVar variation 412692 (VCV000412692.24), dbSNP rs150095039, ClinGen allele CA4704914.
Genomic context (GRCh38, chr8:31,141,447, plus strand): 5'-TTAAATTAGCATTTTTAGATACTGATTTTATTCCTAATTTCAGAATTCTCAGCGTCTTGC[C>T]GATCAATATCGCAGGCACAGTTTATTTGGCACTGGCAAGGATCAAACAGAGAGTTGGTGG-3'
Protein context (NP_000544.2, residues 985-1005): FLRGSNSQRL[Ala995=]DQYRRHSLFG